The following is an entry in ClinVar:

NM_003906.5(MCM3AP):c.109_111del (p.Ser37del)

Gene: MCM3AP (minichromosome maintenance complex component 3 associated protein; minus strand). Cytogenetic location: 21q22.3.
Variant type: Deletion.
Coding change: c.109_111del on transcript NM_003906.5 (MANE Select); coding-DNA positions 109 to 111, 3 bases deleted (TCT; older notation c.109_111delTCT).
Protein change: p.Ser37del; deletes serine 37.
Molecular consequence: inframe deletion.
Genome position (GRCh38, 1-based): chr21:46,285,176-46,285,178, AGA deleted on the plus strand (TCT on the coding strand, the reverse complement: MCM3AP is on the minus strand); deleting any 3 consecutive bases within chr21:46,285,176-46,285,180 gives the same sequence; the c. name uses the placement nearest the transcript's 3' end. VCF-style (leftmost placement, unchanged base first): chr21-46285175-GAGA-G. GRCh37 (hg19) VCF-style: chr21-47705089-GAGA-G.
Other names: short protein forms S37del.
Identifiers: ClinVar variation 1660215 (VCV001660215.15), dbSNP rs556267115, ClinGen allele CA10077417.

ClinVar aggregate classification (germline): Benign/Likely benign. Review status: criteria provided, multiple submitters, no conflicts (2 of 4 stars). 2 submissions from 2 submitters: Benign (1); Likely benign (1). Last evaluated 2026-01-27.

Submissions (2):

Labcorp Genetics (formerly Invitae), Labcorp
Classification: Benign. Last evaluated: 2026-01-27. Review status: criteria provided, single submitter. Criteria: Invitae Variant Classification Sherloc (09022015). Collection method: clinical testing. Allele origin: germline.

CeGaT Center for Human Genetics Tuebingen
Classification: Likely benign. Last evaluated: 2025-09-01. Review status: criteria provided, single submitter. Criteria: CeGaT Center For Human Genetics Tuebingen Variant Classification Criteria Version 2. Collection method: clinical testing. Allele origin: germline. Affected: yes. Observed: 1 variant allele.
Comment: MCM3AP: PM4, BS1, BS2